The following is an entry in ClinVar:

ClinVar aggregate classification (germline): Likely benign (1 of 4 stars; one submission).

Allele frequency attached by ClinVar (database versions not stated): gnomAD exomes 0.00015; ExAC 0.00042; 1000 Genomes Project 30x 0.00094; gnomAD 0.00098; 1000 Genomes Project 0.00120; TOPMed 0.00131; ESP Exome Variant Server 0.00188.
gnomAD v4.1: 383 of 1,613,752 alleles (0.024%); highest among the groups gnomAD compares: African/African-American, 0.37%; 1 homozygote.

Submission:

CeGaT Center for Human Genetics Tuebingen
Classification: Likely benign. Last evaluated: 2022-12-01. Review status: criteria provided, single submitter. Criteria: CeGaT Center For Human Genetics Tuebingen Variant Classification Criteria Version 2. Collection method: clinical testing. Allele origin: germline. Affected: yes. Observed: 1 variant allele.
Comment: FAT3: BP4, BP7

NM_001367949.2(FAT3):c.3087G>A (p.Val1029=)

Gene: FAT3 (FAT atypical cadherin 3; plus strand). Cytogenetic location: 11q14.3.
Variant type: single nucleotide variant.
Coding change: c.3087G>A on transcript NM_001367949.2 (MANE Select); coding-DNA position 3087, G replaced by A.
Protein change: p.Val1029=; no amino-acid change (valine 1029 retained).
Molecular consequence: synonymous variant.
Genome position (GRCh38, 1-based): chr11:92,355,199, G>A. VCF-style: chr11-92355199-G-A. GRCh37 (hg19) VCF-style: chr11-92088365-G-A.
Other names: c.3087G>A, p.Val1029= (NM_001008781.3, NM_001378141.1).
Identifiers: ClinVar variation 2642269 (VCV002642269.24), dbSNP rs187314509, ClinGen allele CA6226574.